The following is an entry in ClinVar:

NM_002439.5(MSH3):c.809T>G (p.Leu270Arg)

Gene: MSH3 (mutS homolog 3; plus strand). Cytogenetic location: 5q14.1.
Variant type: single nucleotide variant.
Coding change: c.809T>G on transcript NM_002439.5 (MANE Select); coding-DNA position 809, T replaced by G.
Protein change: p.Leu270Arg; replaces leucine 270 with arginine.
Molecular consequence: missense variant.
Genome position (GRCh38, 1-based): chr5:80,672,260, T>G. VCF-style: chr5-80672260-T-G. GRCh37 (hg19) VCF-style: chr5-79968079-T-G.
Other names: short protein forms L270R.
Identifiers: ClinVar variation 1399859 (VCV001399859.8), dbSNP rs2112813736, ClinGen allele CA360267081.

ClinVar aggregate classification (germline): Uncertain significance (1 of 4 stars; one submission).

Submission:

Labcorp Genetics (formerly Invitae), Labcorp
Classification: Uncertain significance. Last evaluated: 2020-12-24. Review status: criteria provided, single submitter. Criteria: Invitae Variant Classification Sherloc (09022015). Collection method: clinical testing. Allele origin: germline.
Comment: This sequence change replaces leucine with arginine at codon 270 of the MSH3 protein (p.Leu270Arg). The leucine residue is highly conserved and there is a moderate physicochemical difference between leucine and arginine. This variant is not present in population databases (ExAC no frequency). This variant has not been reported in the literature in individuals with MSH3-related conditions. Algorithms developed to predict the effect of missense changes on protein structure and function (SIFT, PolyPhen-2, Align-GVGD) all suggest that this variant is likely to be disruptive, but these predictions have not been confirmed by published functional studies and their clinical significance is uncertain. In summary, the available evidence is currently insufficient to determine the role of this variant in disease. Therefore, it has been classified as a Variant of Uncertain Significance.